The following is an entry in ClinVar:

ClinVar aggregate classification (germline): Uncertain significance (1 of 4 stars; one submission).

Submission:

Ambry Genetics
Classification: Uncertain significance. Last evaluated: 2025-10-16. Review status: criteria provided, single submitter. Criteria: Ambry Variant Classification Scheme 2023. Collection method: clinical testing. Allele origin: germline.
Comment: The p.Q104L variant (also known as c.311A>T), located in coding exon 1 of the WNK2 gene, results from an A to T substitution at nucleotide position 311. The glutamine at codon 104 is replaced by leucine, an amino acid with dissimilar properties. This amino acid position is conserved. In addition, this alteration is predicted to be tolerated by in silico analysis. Based on the available evidence, the clinical significance of this variant remains unclear.

NM_006648.4(WNK2):c.311A>T (p.Gln104Leu)

Gene: WNK2 (WNK lysine deficient protein kinase 2; plus strand). Cytogenetic location: 9q22.31.
Variant type: single nucleotide variant.
Coding change: c.311A>T on transcript NM_006648.4 (MANE Select); coding-DNA position 311, A replaced by T.
Protein change: p.Gln104Leu; replaces glutamine 104 with leucine.
Molecular consequence: missense variant.
Genome position (GRCh38, 1-based): chr9:93,185,240, A>T. VCF-style: chr9-93185240-A-T. GRCh37 (hg19) VCF-style: chr9-95947522-A-T.
Other names: c.311A>T, p.Gln104Leu (NM_001282394.3); short protein forms Q104L.
Identifiers: ClinVar variation 4605267 (VCV004605267.1).
Genomic context (GRCh38, chr9:93,185,240, plus strand): 5'-TCATCGCGGAGCGCGCCCGCGGACGCCCCGCCGCCCCCGCGCCCGCAGCGCTGGTAGCGC[A>T]GCCGGGAGCCCCCGGAGCCCCCGCGGACGCCGGCCCCGAGCCCGTGGGCACGCAGGAGCC-3'
Protein context (NP_006639.3, residues 94-114): AAPAPAALVA[Gln104Leu]PGAPGAPADA